The following is an entry in ClinVar:

NM_201384.3(PLEC):c.7464G>A (p.Thr2488=)

Gene: PLEC (plectin; minus strand). Cytogenetic location: 8q24.3.
Variant type: single nucleotide variant.
Coding change: c.7464G>A on transcript NM_201384.3 (MANE Select); coding-DNA position 7464, G replaced by A.
Protein change: p.Thr2488=; no amino-acid change (threonine 2488 retained).
Molecular consequence: synonymous variant.
Genome position (GRCh38, 1-based): chr8:143,922,357, C>T on the plus strand (G>A on the coding strand, the complement: PLEC is on the minus strand). VCF-style: chr8-143922357-C-T. GRCh37 (hg19) VCF-style: chr8-144996525-C-T.
Other names: c.7545G>A, p.Thr2515= (NM_000445.5); c.7422G>A, p.Thr2474= (NM_201378.4); c.7398G>A, p.Thr2466= (NM_201379.3); c.7875G>A, p.Thr2625= (NM_201380.4); c.7368G>A, p.Thr2456= (NM_201381.3); c.7464G>A, p.Thr2488= (NM_201382.4); c.7476G>A, p.Thr2492= (NM_201383.3).
Identifiers: ClinVar variation 539028 (VCV000539028.14), dbSNP rs560896222, ClinGen allele CA4925611.

ClinVar aggregate classification (germline): Conflicting classifications of pathogenicity. Review status: criteria provided, conflicting classifications (1 of 4 stars). 3 submissions from 3 submitters: Uncertain significance (1); Likely benign (2). Last evaluated 2026-01-18.

Conditions:
PLEC-related disorder. Also called: PLEC-related disorders; PLEC-related condition.
Epidermolysis bullosa simplex, Ogna type (EBS5A). Also called: Pidermolysis bullosa simplex 5A, Ogna type; EPIDERMOLYSIS BULLOSA SIMPLEX 5A, OGNA TYPE. Identifiers: Orphanet 79401, MedGen C0432317, MONDO:0007555, OMIM 131950.
Epidermolysis bullosa simplex 5B, with muscular dystrophy (EBS5B). Also called: Epidermolysis bullosa simplex with muscular dystrophy; EPIDERMOLYSIS BULLOSA SIMPLEX AND LIMB-GIRDLE MUSCULAR DYSTROPHY. Identifiers: Orphanet 257, MedGen C2931072, MONDO:0009181, OMIM 226670.
Epidermolysis bullosa simplex with nail dystrophy (EBS5D). Identifiers: MedGen C4225309, MONDO:0014661, OMIM 616487.
Autosomal recessive limb-girdle muscular dystrophy type 2Q (LGMDR17). Also called: MUSCULAR DYSTROPHY, LIMB-GIRDLE, AUTOSOMAL RECESSIVE 17. Identifiers: Orphanet 254361, MedGen C3150989, MONDO:0013390, OMIM 613723.
Epidermolysis bullosa simplex 5C, with pyloric atresia (EBS5C). Also called: PLEC-Related Epidermolysis Bullosa with Pyloric Atresia; Epidermolysis bullosa simplex with pyloric atresia; PLEC1-Related Epidermolysis Bullosa with Pyloric Atresia. Identifiers: Orphanet 158684, MedGen C2677349, MONDO:0012807, OMIM 612138.

Allele frequency attached by ClinVar (database versions not stated): gnomAD 0.00001; gnomAD exomes 0.00001 and 0.00002; ExAC 0.00002; TOPMed 0.00002; 1000 Genomes Project 30x 0.00016; 1000 Genomes Project 0.00020.
gnomAD v4.1: 24 of 1,604,262 alleles (0.0015%); highest among the groups gnomAD compares: Admixed American, 0.013%; no homozygotes.

Submissions (3):

PreventionGenetics, part of Exact Sciences
Classification: Likely benign for PLEC-related condition. Last evaluated: 2026-01-18. Review status: criteria provided, single submitter. Criteria: ACMG Guidelines, 2015. Collection method: clinical testing. Allele origin: germline.
Comment: This variant is classified as likely benign based on ACMG/AMP sequence variant interpretation guidelines (Richards et al. 2015 PMID: 25741868, with internal and published modifications).

Labcorp Genetics (formerly Invitae), Labcorp
Classification: Likely benign for Autosomal recessive limb-girdle muscular dystrophy type 2Q; Epidermolysis bullosa simplex, Ogna type; Epidermolysis bullosa simplex with nail dystrophy; Epidermolysis bullosa simplex 5C, with pyloric atresia; Epidermolysis bullosa simplex 5B, with muscular dystrophy. Last evaluated: 2024-06-23. Review status: criteria provided, single submitter. Criteria: Invitae Variant Classification Sherloc (09022015). Collection method: clinical testing. Allele origin: germline.

Eurofins Ntd Llc (ga)
Classification: Uncertain significance. Last evaluated: 2018-01-04. Review status: criteria provided, single submitter. Criteria: EGL Classification Definitions 2015. Collection method: clinical testing. Allele origin: germline. Observed: 1 variant allele, 1 heterozygote.